The following is an entry in ClinVar:

ClinVar aggregate classification (germline): Conflicting classifications of pathogenicity. Review status: criteria provided, conflicting classifications (1 of 4 stars). 2 submissions from 2 submitters: Uncertain significance (1); Likely benign (1). Last evaluated 2022-11-09.

Allele frequency attached by ClinVar (database versions not stated): TOPMed below 0.00001.
gnomAD v4.1: 1 of 1,552,980 alleles (0.000064%); highest among the groups gnomAD compares: Non-Finnish European, 0.000087%; no homozygotes.

Submissions (2):

Blueprint Genetics
Classification: Likely benign. Last evaluated: 2022-11-09. Review status: criteria provided, single submitter. Criteria: ACMG Guidelines, 2015. Collection method: clinical testing. Allele origin: germline.

Laboratory for Molecular Medicine, Mass General Brigham Personalized Medicine
Classification: Uncertain significance. Last evaluated: 2014-09-09. Review status: criteria provided, single submitter. Criteria: LMM Criteria. Collection method: clinical testing. Allele origin: germline. Observed: 1 variant allele.
Comment: The Ala1376Ser variant in CDH23 has not been previously reported in individuals with hearing loss. Data from large population studies are insufficient to assess the frequency of this variant. Computational prediction tools and conservation analysis suggest that the Ala1376Ser variant may not impact the protein, though this information is not predictive enough to rule out pathogenicity. In summary, the clinical significance of the Ala1376Ser variant is uncertain.

NM_022124.6(CDH23):c.4104+22G>T

Genes: C10orf105 (chromosome 10 open reading frame 105; minus strand), CDH23 (cadherin related 23; plus strand). Cytogenetic location: 10q22.1.
Variant type: single nucleotide variant.
Coding change: c.4104+22G>T on transcript NM_022124.6 (MANE Select); 22 bases into the intron after coding-DNA position 4104, G replaced by T.
Molecular consequence: intron variant. On other transcripts: missense variant (1).
Genome position (GRCh38, 1-based): chr10:71,732,397, G>T. VCF-style: chr10-71732397-G-T. GRCh37 (hg19) VCF-style: chr10-73492154-G-T.
Other names: c.4126G>T, p.Ala1376Ser (NM_001171930.2); c.-6+5331C>A (NM_001168390.2); short protein forms A1376S.
Identifiers: ClinVar variation 162910 (VCV000162910.6), dbSNP rs727502926, ClinGen allele CA175489.